The following is an entry in ClinVar:

ClinVar aggregate classification (germline): Benign. Review status: criteria provided, multiple submitters, no conflicts (2 of 4 stars). 2 submissions from 2 submitters: Benign (2). Last evaluated 2018-01-13.

Conditions:
Diabetes insipidus, nephrogenic, autosomal (NDI2). Also called: Nephrogenic Diabetes Insipidus, Type II; Diabetes insipidus, nephrogenic, 2, autosomal. Identifiers: Orphanet 223, MedGen C1563706, MONDO:0007451, OMIM 125800.

Allele frequency attached by ClinVar (database versions not stated): gnomAD exomes 0.08333; gnomAD 0.12242 and 0.13121; TOPMed 0.13838; 1000 Genomes Project 30x 0.22455; 1000 Genomes Project 0.22764.

Submissions (2):

Illumina Laboratory Services, Illumina
Classification: Benign for Diabetes insipidus, nephrogenic, autosomal. Last evaluated: 2018-01-13. Review status: criteria provided, single submitter. Criteria: ICSL Variant Classification Criteria 13 December 2019. Collection method: clinical testing. Allele origin: germline.
Comment: This variant was observed in the ICSL laboratory as part of a predisposition screen in an ostensibly healthy population. It had not been previously curated by ICSL or reported in the Human Gene Mutation Database (HGMD: prior to June 1st, 2018), and was therefore a candidate for classification through an automated scoring system. Utilizing variant allele frequency, disease prevalence and penetrance estimates, and inheritance mode, an automated score was calculated to assess if this variant is too frequent to cause the disease. Based on the score and internal cut-off values, a variant classified as benign is not then subjected to further curation. The score for this variant resulted in a classification of benign for this disease.

Breakthrough Genomics
Classification: Benign. Review status: criteria provided, single submitter. Criteria: ACMG Guidelines, 2015. Collection method: not provided. Allele origin: germline. Inheritance: Autosomal dominant inheritance. Affected: yes.

NM_000486.6(AQP2):c.*1757A>G

Genes: AQP2 (aquaporin 2; plus strand), AQP5-AS1 (AQP5 and AQP2 antisense RNA 2; minus strand). Cytogenetic location: 12q13.12.
Variant type: single nucleotide variant.
Coding change: c.*1757A>G on transcript NM_000486.6 (MANE Select); 1757 bases downstream of the stop codon, A replaced by G.
Molecular consequence: 3 prime UTR variant.
Genome position (GRCh38, 1-based): chr12:49,957,365, A>G. VCF-style: chr12-49957365-A-G. GRCh37 (hg19) VCF-style: chr12-50351148-A-G.
Identifiers: ClinVar variation 309259 (VCV000309259.6), dbSNP rs74091162, ClinGen allele CA10642591.
Genomic context (GRCh38, chr12:49,957,365, plus strand): 5'-ACCTCCTTCCTCCTACCACCCAGCCCTATCCATTCTCTCCTTCCCTCTCCAGCCTGCTGT[A>G]TAAGTAACATGTGGGTCATACCTTGAACCCCCCTCCGCCCCCATGCTCTCTGTGGCCTCC-3'